The following is an entry in ClinVar:

ClinVar aggregate classification (germline): Likely benign (1 of 4 stars; one submission).

Allele frequency attached by ClinVar (database versions not stated): gnomAD exomes below 0.00001.
gnomAD v4.1: 1 of 1,532,752 alleles (0.000065%); highest among the groups gnomAD compares: Non-Finnish European, 0.000088%; no homozygotes.

Submission:

GeneDx
Classification: Likely benign. Last evaluated: 2017-05-30. Review status: criteria provided, single submitter. Criteria: GeneDx Variant Classification (06012015). Collection method: clinical testing. Allele origin: germline. Affected: yes.
Comment: This variant is considered likely benign or benign based on one or more of the following criteria: it is a conservative change, it occurs at a poorly conserved position in the protein, it is predicted to be benign by multiple in silico algorithms, and/or has population frequency not consistent with disease.

NM_001367624.2(ZNF469):c.222G>A (p.Lys74=)

Gene: ZNF469 (zinc finger protein 469; plus strand). Cytogenetic location: 16q24.2.
Variant type: single nucleotide variant.
Coding change: c.222G>A on transcript NM_001367624.2 (MANE Select); coding-DNA position 222, G replaced by A.
Protein change: p.Lys74=; no amino-acid change (lysine 74 retained).
Molecular consequence: synonymous variant.
Genome position (GRCh38, 1-based): chr16:88,427,692, G>A. VCF-style: chr16-88427692-G-A. GRCh37 (hg19) VCF-style: chr16-88494100-G-A.
Identifiers: ClinVar variation 517902 (VCV000517902.1), dbSNP rs998864240, ClinGen allele CA286371410.